The following is an entry in ClinVar:

ClinVar aggregate classification (germline): Pathogenic (1 of 4 stars; one submission).

Conditions:
DICER1-related tumor predisposition. Also called: DICER1 syndrome; DICER1-related pleuropulmonary blastoma cancer predisposition syndrome. Identifiers: Orphanet 284343, MedGen C3839822, MONDO:0100216.

Submission:

Labcorp Genetics (formerly Invitae), Labcorp
Classification: Pathogenic for DICER1-related tumor predisposition. Last evaluated: 2025-08-11. Review status: criteria provided, single submitter. Criteria: Invitae Variant Classification Sherloc (09022015). Collection method: clinical testing. Allele origin: germline.
Comment: This sequence change falls in intron 20 of the DICER1 gene. It does not directly change the encoded amino acid sequence of the DICER1 protein. RNA analysis indicates that this variant induces altered splicing and may result in an absent or altered protein product. This variant is not present in population databases (gnomAD no frequency). This variant has not been reported in the literature in individuals affected with DICER1-related conditions. Studies have shown that this variant results in activation of a cryptic splice site, and produces a non-functional protein and/or introduces a premature termination codon (internal data). For these reasons, this variant has been classified as Pathogenic.

NM_177438.3(DICER1):c.3270-12A>G

Gene: DICER1 (dicer 1, ribonuclease III; minus strand). Cytogenetic location: 14q32.13.
Variant type: single nucleotide variant.
Coding change: c.3270-12A>G on transcript NM_177438.3 (MANE Select); 12 bases into the intron before coding-DNA position 3270, A replaced by G.
Molecular consequence: intron variant.
Genome position (GRCh38, 1-based): chr14:95,104,138, T>C on the plus strand (A>G on the coding strand, the complement: DICER1 is on the minus strand). VCF-style: chr14-95104138-T-C. GRCh37 (hg19) VCF-style: chr14-95570475-T-C.
Other names: c.3270-12A>G (NM_001291628.2, NM_030621.4, NM_001395677.1 and 12 more transcripts); c.2865-12A>G (NM_001395690.1, NM_001395687.1, NM_001395689.1 and 2 more transcripts); c.2988-12A>G (NM_001395686.1); c.2703-12A>G (NM_001395691.1); c.1587-12A>G (NM_001395697.1).
Identifiers: ClinVar variation 4806114 (VCV004806114.1).